The following is an entry in ClinVar:

NM_005477.3(HCN4):c.1591-3C>T

Gene: HCN4 (hyperpolarization activated cyclic nucleotide gated potassium channel 4; minus strand). Cytogenetic location: 15q24.1.
Variant type: single nucleotide variant.
Coding change: c.1591-3C>T on transcript NM_005477.3 (MANE Select); 3 bases into the intron before coding-DNA position 1591, C replaced by T.
Molecular consequence: intron variant.
Genome position (GRCh38, 1-based): chr15:73,325,447, G>A on the plus strand (C>T on the coding strand, the complement: HCN4 is on the minus strand). VCF-style: chr15-73325447-G-A. GRCh37 (hg19) VCF-style: chr15-73617788-G-A.
Identifiers: ClinVar variation 4727524 (VCV004727524.1).

ClinVar aggregate classification (germline): Uncertain significance (1 of 4 stars; one submission).

Conditions:
Brugada syndrome 8 (BRGDA8). Identifiers: Orphanet 130, MedGen C2751083, MONDO:0013148, OMIM 613123.

Submission:

Labcorp Genetics (formerly Invitae), Labcorp
Classification: Uncertain significance for Brugada syndrome 8. Last evaluated: 2025-08-01. Review status: criteria provided, single submitter. Criteria: Invitae Variant Classification Sherloc (09022015). Collection method: clinical testing. Allele origin: germline.
Comment: This sequence change falls in intron 4 of the HCN4 gene. It does not directly change the encoded amino acid sequence of the HCN4 protein. It affects a nucleotide within the consensus splice site. This variant is not present in population databases (gnomAD no frequency). This variant has not been reported in the literature in individuals affected with HCN4-related conditions. Variants that disrupt the consensus splice site are a relatively common cause of aberrant splicing (PMID: 17576681, 9536098). Algorithms developed to predict the effect of sequence changes on RNA splicing suggest that this variant is not likely to affect RNA splicing. In summary, the available evidence is currently insufficient to determine the role of this variant in disease. Therefore, it has been classified as a Variant of Uncertain Significance.

Literature cited by the submitters: PubMed 17576681; PubMed 9536098.